The following is an entry in ClinVar:

ClinVar aggregate classification (germline): Likely pathogenic (1 of 4 stars; one submission).

Conditions:
Familial hypokalemia-hypomagnesemia (GTLMNS). Also called: HYPOMAGNESEMIA-HYPOKALEMIA, PRIMARY RENOTUBULAR, WITH HYPOCALCIURIA; POTASSIUM AND MAGNESIUM DEPLETION; gitelman syndrome. Identifiers: Orphanet 358, MedGen C0268450, MONDO:0009904, OMIM 263800.

Submission:

3billion
Classification: Likely pathogenic for Familial hypokalemia-hypomagnesemia. Review status: criteria provided, single submitter. Criteria: ACMG Guidelines, 2015. Collection method: clinical testing. Allele origin: unknown. Affected: yes. Observed: 1 heterozygote.
Comment: The variant is not observed in the gnomAD v2.1.1 dataset. The variant is predicted to result in a loss or disruption of normal protein function through nonsense-mediated decay (NMD) or protein truncation. Multiple pathogenic variants are reported downstream of the variant. Therefore, this variant is classified as Likely pathogenic according to the recommendation of ACMG/AMP guideline.

NM_001126108.2(SLC12A3):c.843_846dup (p.Ser283fs)

Gene: SLC12A3 (solute carrier family 12 member 3; plus strand). Cytogenetic location: 16q13.
Variant type: Duplication.
Coding change: c.843_846dup on transcript NM_001126108.2 (MANE Select); coding-DNA positions 843 to 846, 4 bases duplicated (GGAG; older notation c.843_846dupGGAG).
Protein change: p.Ser283fs; shifts the reading frame from serine 283.
Molecular consequence: frameshift variant.
Genome position (GRCh38, 1-based): chr16:56,870,727-56,870,730, GGAG duplicated; duplicating any 4 consecutive bases within chr16:56,870,726-56,870,730 gives the same sequence; the c. name uses the placement nearest the transcript's 3' end. VCF-style (leftmost placement, unchanged base first): chr16-56870725-T-TGGGA. GRCh37 (hg19) VCF-style: chr16-56904637-T-TGGGA.
Other names: c.843_846dup, p.Ser283fs (NM_000339.3); c.840_843dup, p.Ser282fs (NM_001126107.2, NM_001410896.1); short protein forms S282fs, S283fs.
Identifiers: ClinVar variation 2572446 (VCV002572446.1), dbSNP rs2543483872, ClinGen allele CA2580613876.